The following is an entry in ClinVar:

ClinVar aggregate classification (germline): Uncertain significance (1 of 4 stars; one submission).

Allele frequency attached by ClinVar (database versions not stated): gnomAD 0.00001.

Submission:

Labcorp Genetics (formerly Invitae), Labcorp
Classification: Uncertain significance. Last evaluated: 2022-07-19. Review status: criteria provided, single submitter. Criteria: Invitae Variant Classification Sherloc (09022015). Collection method: clinical testing. Allele origin: germline.
Comment: This sequence change replaces arginine, which is basic and polar, with lysine, which is basic and polar, at codon 2210 of the CEP250 protein (p.Arg2210Lys). This variant is present in population databases (no rsID available, gnomAD 0.01%). This variant has not been reported in the literature in individuals affected with CEP250-related conditions. Algorithms developed to predict the effect of missense changes on protein structure and function output the following: SIFT: "Not Available"; PolyPhen-2: "Benign"; Align-GVGD: "Not Available". The lysine amino acid residue is found in multiple mammalian species, which suggests that this missense change does not adversely affect protein function. In summary, the available evidence is currently insufficient to determine the role of this variant in disease. Therefore, it has been classified as a Variant of Uncertain Significance.

NM_007186.6(CEP250):c.6629G>A (p.Arg2210Lys)

Gene: CEP250 (centrosomal protein 250; plus strand). Cytogenetic location: 20q11.22.
Variant type: single nucleotide variant.
Coding change: c.6629G>A on transcript NM_007186.6 (MANE Select); coding-DNA position 6629, G replaced by A.
Protein change: p.Arg2210Lys; replaces arginine 2210 with lysine.
Molecular consequence: missense variant.
Genome position (GRCh38, 1-based): chr20:35,504,998, G>A. VCF-style: chr20-35504998-G-A. GRCh37 (hg19) VCF-style: chr20-34092826-G-A.
Other names: c.4733G>A, p.Arg1578Lys (NM_001318219.1); short protein forms R1578K, R2210K.
Identifiers: ClinVar variation 1718840 (VCV001718840.4), dbSNP rs1433133310, ClinGen allele CA408757713.
Genomic context (GRCh38, chr20:35,504,998, plus strand): 5'-TGCAGGAGGTAGCCATGTTCCTACAAGCCTCTGTCCTGGAGCGGGACTCAGAACAGCAAA[G>A]GCTGCAGGTAAGTCACTCCATGGGGAGTAAGGGCCAGGGGACACACCCCTGTCTGGCTGA-3'
Protein context (NP_009117.2, residues 2200-2220): SVLERDSEQQ[Arg2210Lys]LQDELELTRR